The following is an entry in ClinVar:

NM_001384732.1(CPLANE1):c.7534-4_7534-3del

Gene: CPLANE1 (ciliogenesis and planar polarity effector complex subunit 1; minus strand). Cytogenetic location: 5p13.2.
Variant type: Deletion.
Coding change: c.7534-4_7534-3del on transcript NM_001384732.1 (MANE Select); 4 bases into the intron before coding-DNA position 7534 through 3 bases into the intron before coding-DNA position 7534, 2 bases deleted (TT; older notation c.7534-4_7534-3delTT).
Molecular consequence: intron variant.
Genome position (GRCh38, 1-based): chr5:37,164,330-37,164,331, AA deleted on the plus strand (TT on the coding strand, the reverse complement: CPLANE1 is on the minus strand); deleting any 2 consecutive bases within chr5:37,164,330-37,164,332 gives the same sequence; the c. name uses the placement nearest the transcript's 3' end. VCF-style (leftmost placement, unchanged base first): chr5-37164329-TAA-T. GRCh37 (hg19) VCF-style: chr5-37164431-TAA-T.
Other names: c.7534-4_7534-3del (NM_023073.4).
Identifiers: ClinVar variation 1433022 (VCV001433022.5), dbSNP rs1381389715, ClinGen allele CA443919896.

ClinVar aggregate classification (germline): Uncertain significance. Review status: criteria provided, multiple submitters, no conflicts (2 of 4 stars). 3 submissions from 3 submitters: Uncertain significance (3). Last evaluated 2022-10-25.

Conditions:
Joubert syndrome 17 (JBTS17). Identifiers: Orphanet 475, MedGen C3553264, MONDO:0013824, OMIM 614615.
Orofaciodigital syndrome type 6 (OFD6). Also called: OROFACIODIGITAL SYNDROME VI; OFDS VI; POLYDACTYLY, CLEFT LIP/PALATE OR LINGUAL LUMP, AND PSYCHOMOTOR RETARDATION; VARADI SYNDROME; VARADI-PAPP SYNDROME; Oral-facial-digital syndrome type 6. Identifiers: Orphanet 2754, MedGen C2745997, MONDO:0010176, OMIM 277170.

Submissions (3):

Labcorp Genetics (formerly Invitae), Labcorp
Classification: Uncertain significance. Last evaluated: 2022-10-25. Review status: criteria provided, single submitter. Criteria: Invitae Variant Classification Sherloc (09022015). Collection method: clinical testing. Allele origin: germline.
Comment: This sequence change falls in intron 36 of the CPLANE1 gene. It does not directly change the encoded amino acid sequence of the CPLANE1 protein. This variant is present in population databases (no rsID available, gnomAD no frequency). This variant has not been reported in the literature in individuals affected with CPLANE1-related conditions. ClinVar contains an entry for this variant (Variation ID: 1433022). Algorithms developed to predict the effect of sequence changes on RNA splicing suggest that this variant may disrupt the consensus splice site. In summary, the available evidence is currently insufficient to determine the role of this variant in disease. Therefore, it has been classified as a Variant of Uncertain Significance.

Fulgent Genetics
Classification: Uncertain significance for Orofaciodigital syndrome type 6; Joubert syndrome 17. Last evaluated: 2022-02-16. Review status: criteria provided, single submitter. Criteria: ACMG Guidelines, 2015. Collection method: clinical testing. Allele origin: unknown.

Breakthrough Genomics
Classification: Uncertain significance. Review status: criteria provided, single submitter. Criteria: ACMG Guidelines, 2015. Collection method: not provided. Allele origin: germline. Inheritance: Autosomal recessive inheritance. Affected: yes.